The following is an entry in ClinVar:

NM_015122.3(FCHO1):c.2542G>A (p.Val848Met)

Gene: FCHO1 (FCH and mu domain containing endocytic adaptor 1; plus strand). Cytogenetic location: 19p13.11.
Variant type: single nucleotide variant.
Coding change: c.2542G>A on transcript NM_015122.3 (MANE Select); coding-DNA position 2542, G replaced by A.
Protein change: p.Val848Met; replaces valine 848 with methionine.
Molecular consequence: missense variant. On other transcripts: non-coding transcript variant (36).
Genome position (GRCh38, 1-based): chr19:17,787,741, G>A. VCF-style: chr19-17787741-G-A. GRCh37 (hg19) VCF-style: chr19-17898550-G-A.
Other names: c.2542G>A, p.Val848Met (NM_001161357.2, NM_001161358.2, NM_001384370.1 and 11 more transcripts); c.2392G>A, p.Val798Met (NM_001161359.2, NM_001384384.1, NM_001384385.1 and 1 more transcripts); c.2521G>A, p.Val841Met (NM_001384387.1); c.2503G>A, p.Val835Met (NM_001384388.1, NM_001384389.1); c.2467G>A, p.Val823Met (NM_001384390.1); c.2342G>A, p.Arg781His (NM_001384391.1); c.2425G>A, p.Val809Met (NM_001384392.1, NM_001384393.1, NM_001384394.1 and 1 more transcripts); c.2266G>A, p.Val756Met (NM_001384396.1, NM_001384397.1, NM_001384398.1 and 4 more transcripts); and 5 more; short protein forms R639H, R689H, R781H, V547M, V724M, V741M, V756M, V798M.
Identifiers: ClinVar variation 2428296 (VCV002428296.6), dbSNP rs377219095, ClinGen allele CA9300919.

ClinVar aggregate classification (germline): Uncertain significance (1 of 4 stars; one submission).

Allele frequency attached by ClinVar (database versions not stated): gnomAD 0.00001; TOPMed 0.00003; ExAC 0.00005; ESP Exome Variant Server 0.00008.
gnomAD v4.1: 87 of 1,593,920 alleles (0.0055%); highest among the groups gnomAD compares: Non-Finnish European, 0.007%; no homozygotes.

Submission:

Labcorp Genetics (formerly Invitae), Labcorp
Classification: Uncertain significance. Last evaluated: 2025-02-16. Review status: criteria provided, single submitter. Criteria: Invitae Variant Classification Sherloc (09022015). Collection method: clinical testing. Allele origin: germline.
Comment: This sequence change replaces valine, which is neutral and non-polar, with methionine, which is neutral and non-polar, at codon 848 of the FCHO1 protein (p.Val848Met). This variant is present in population databases (rs377219095, gnomAD 0.006%). This variant has not been reported in the literature in individuals affected with FCHO1-related conditions. ClinVar contains an entry for this variant (Variation ID: 2428296). An algorithm developed to predict the effect of missense changes on protein structure and function (PolyPhen-2) suggests that this variant is likely to be disruptive. In summary, the available evidence is currently insufficient to determine the role of this variant in disease. Therefore, it has been classified as a Variant of Uncertain Significance.